The following is an entry in ClinVar:

NM_005411.5(SFTPA1):c.-23-5T>A

Gene: SFTPA1 (surfactant protein A1; plus strand). Cytogenetic location: 10q22.3.
Variant type: single nucleotide variant.
Coding change: c.-23-5T>A on transcript NM_005411.5 (MANE Select); 5 bases into the intron before 23 bases upstream of the start codon, T replaced by A.
Molecular consequence: intron variant.
Genome position (GRCh38, 1-based): chr10:79,611,798, T>A. VCF-style: chr10-79611798-T-A. GRCh37 (hg19) VCF-style: chr10-81371554-T-A.
Other names: NC_000010.10:g.81371554T>A; c.-23-5T>A (NM_001164646.2, NM_001164644.2, NM_001164647.1); c.23-5T>A (NM_001164645.2, NM_001093770.3).
Identifiers: ClinVar variation 3355976 (VCV003355976.3).

ClinVar aggregate classification (germline): Likely benign. Review status: criteria provided, single submitter (1 of 4 stars). 2 submissions from 2 submitters: Likely benign (1). 1 of the submissions does not count toward it. Last evaluated 2024-11-27.

Conditions:
SFTPA1-related disorder. Also called: SFTPA1-related condition.

Submissions (3):

Blueprint Genetics
Classification: Likely benign. Last evaluated: 2024-11-27. Review status: criteria provided, single submitter. Criteria: ACMG Guidelines, 2015. Collection method: clinical testing. Allele origin: germline.

PreventionGenetics, part of Exact Sciences
Classification: Benign for SFTPA1-related condition. Last evaluated: 2024-09-25. Review status: no assertion criteria provided. Collection method: clinical testing. Allele origin: germline. Not counted in ClinVar's aggregate classification.
Comment: This variant is classified as benign based on ACMG/AMP sequence variant interpretation guidelines (Richards et al. 2015 PMID: 25741868, with internal and published modifications).

Dr. Peter K. Rogan Lab, Western University
No classification provided (evidence only). Condition: Thymoma. Review status: no classification provided. Collection method: in vitro. Allele origin: not applicable. Functional consequence: retained intron. Not counted in ClinVar's aggregate classification.